The following is an entry in ClinVar:

NM_005996.4(TBX3):c.1527C>A (p.Gly509=)

Gene: TBX3 (T-box transcription factor 3; minus strand). Cytogenetic location: 12q24.21.
Variant type: single nucleotide variant.
Coding change: c.1527C>A on transcript NM_005996.4 (MANE Select); coding-DNA position 1527, C replaced by A.
Protein change: p.Gly509=; no amino-acid change (glycine 509 retained).
Molecular consequence: synonymous variant.
Genome position (GRCh38, 1-based): chr12:114,674,348, G>T on the plus strand (C>A on the coding strand, the complement: TBX3 is on the minus strand). VCF-style: chr12-114674348-G-T. GRCh37 (hg19) VCF-style: chr12-115112153-G-T.
Other names: c.1587C>A, p.Gly529= (NM_016569.4).
Identifiers: ClinVar variation 883781 (VCV000883781.5), dbSNP rs764271389, ClinGen allele CA6809907.

ClinVar aggregate classification (germline): Benign. Review status: criteria provided, multiple submitters, no conflicts (2 of 4 stars). 2 submissions from 2 submitters: Benign (2). Last evaluated 2025-05-25.

Conditions:
Ulnar-mammary syndrome (UMS). Also called: PALLISTER ULNAR-MAMMARY SYNDROME; Ulnar-mammary syndrome of Pallister; SCHINZEL SYNDROME. Identifiers: Orphanet 3138, MedGen C1866994, MONDO:0008411, OMIM 181450.

Allele frequency attached by ClinVar (database versions not stated): gnomAD exomes 0.00009; ExAC 0.00031.

Submissions (2):

Labcorp Genetics (formerly Invitae), Labcorp
Classification: Benign for Ulnar-mammary syndrome. Last evaluated: 2025-05-25. Review status: criteria provided, single submitter. Criteria: Invitae Variant Classification Sherloc (09022015). Collection method: clinical testing. Allele origin: germline.

Illumina Laboratory Services, Illumina
Classification: Benign for Ulnar-mammary syndrome. Last evaluated: 2018-01-13. Review status: criteria provided, single submitter. Criteria: ICSL Variant Classification Criteria 13 December 2019. Collection method: clinical testing. Allele origin: germline.
Comment: This variant was observed in the ICSL laboratory as part of a predisposition screen in an ostensibly healthy population. It had not been previously curated by ICSL or reported in the Human Gene Mutation Database (HGMD: prior to June 1st, 2018), and was therefore a candidate for classification through an automated scoring system. Utilizing variant allele frequency, disease prevalence and penetrance estimates, and inheritance mode, an automated score was calculated to assess if this variant is too frequent to cause the disease. Based on the score and internal cut-off values, a variant classified as benign is not then subjected to further curation. The score for this variant resulted in a classification of benign for this disease.